The following is an entry in ClinVar:

ClinVar aggregate classification (germline): Uncertain significance (1 of 4 stars; one submission).

Conditions:
Inborn genetic diseases. Identifiers: MedGen C0950123, MeSH D030342.

gnomAD v4.1: 1 of 1,609,690 alleles (0.000062%); highest among the groups gnomAD compares: South Asian, 0.0011%; no homozygotes.

Submission:

Ambry Genetics
Classification: Uncertain significance for Inborn genetic diseases. Last evaluated: 2025-10-01. Review status: criteria provided, single submitter. Criteria: Ambry Variant Classification Scheme 2023. Collection method: clinical testing. Allele origin: germline.
Comment: The p.E10K variant (also known as c.28G>A), located in coding exon 1 of the ANKRD26 gene, results from a G to A substitution at nucleotide position 28. The glutamic acid at codon 10 is replaced by lysine, an amino acid with similar properties. This amino acid position is conserved. In addition, this alteration is predicted to be tolerated by in silico analysis. Based on the available evidence, the clinical significance of this variant remains unclear.

NM_014915.3(ANKRD26):c.28G>A (p.Glu10Lys)

Genes: ANKRD26 (ankyrin repeat domain 26; minus strand), LOC130003554 (ATAC-STARR-seq lymphoblastoid silent region 2243; plus strand). Cytogenetic location: 10p12.1.
Variant type: single nucleotide variant.
Coding change: c.28G>A on transcript NM_014915.3 (MANE Select); coding-DNA position 28, G replaced by A.
Protein change: p.Glu10Lys; replaces glutamic acid 10 with lysine.
Molecular consequence: missense variant.
Genome position (GRCh38, 1-based): chr10:27,100,299, C>T on the plus strand (G>A on the coding strand, the complement: ANKRD26 is on the minus strand). VCF-style: chr10-27100299-C-T. GRCh37 (hg19) VCF-style: chr10-27389228-C-T.
Other names: c.28G>A, p.Glu10Lys (NM_001256053.2); short protein forms E10K.
Identifiers: ClinVar variation 4579064 (VCV004579064.1).